The following is an entry in ClinVar:

ClinVar aggregate classification (germline): Uncertain significance (1 of 4 stars; one submission).

Allele frequency attached by ClinVar (database versions not stated): gnomAD exomes below 0.00001.
gnomAD v4.1: 1 of 1,614,192 alleles (0.000062%); highest among the groups gnomAD compares: East Asian, 0.0022%; no homozygotes.

Submission:

Labcorp Genetics (formerly Invitae), Labcorp
Classification: Uncertain significance. Last evaluated: 2025-01-27. Review status: criteria provided, single submitter. Criteria: Invitae Variant Classification Sherloc (09022015). Collection method: clinical testing. Allele origin: germline.
Comment: This sequence change replaces valine, which is neutral and non-polar, with methionine, which is neutral and non-polar, at codon 1646 of the ABCA1 protein (p.Val1646Met). This variant is not present in population databases (gnomAD no frequency). This variant has not been reported in the literature in individuals affected with ABCA1-related conditions. ClinVar contains an entry for this variant (Variation ID: 1516130). Invitae Evidence Modeling of protein sequence and biophysical properties (such as structural, functional, and spatial information, amino acid conservation, physicochemical variation, residue mobility, and thermodynamic stability) indicates that this missense variant is not expected to disrupt ABCA1 protein function with a negative predictive value of 95%. In summary, the available evidence is currently insufficient to determine the role of this variant in disease. Therefore, it has been classified as a Variant of Uncertain Significance.

NM_005502.4(ABCA1):c.4936G>A (p.Val1646Met)

Gene: ABCA1 (ATP binding cassette subfamily A member 1; minus strand). Cytogenetic location: 9q31.1.
Variant type: single nucleotide variant.
Coding change: c.4936G>A on transcript NM_005502.4 (MANE Select); coding-DNA position 4936, G replaced by A.
Protein change: p.Val1646Met; replaces valine 1646 with methionine.
Molecular consequence: missense variant.
Genome position (GRCh38, 1-based): chr9:104,799,826, C>T on the plus strand (G>A on the coding strand, the complement: ABCA1 is on the minus strand). VCF-style: chr9-104799826-C-T. GRCh37 (hg19) VCF-style: chr9-107562107-C-T.
Other names: short protein forms V1646M.
Identifiers: ClinVar variation 1516130 (VCV001516130.6), dbSNP rs2118890064, ClinGen allele CA374314322.